The following is an entry in ClinVar:

NM_139058.3(ARX):c.911G>T (p.Gly304Val)

Gene: ARX (aristaless related homeobox; minus strand). Cytogenetic location: Xp21.3.
Variant type: single nucleotide variant.
Coding change: c.911G>T on transcript NM_139058.3 (MANE Select); coding-DNA position 911, G replaced by T.
Protein change: p.Gly304Val; replaces glycine 304 with valine.
Molecular consequence: missense variant.
Genome position (GRCh38, 1-based): chrX:25,013,084, C>A on the plus strand (G>T on the coding strand, the complement: ARX is on the minus strand). VCF-style: chrX-25013084-C-A. GRCh37 (hg19) VCF-style: chrX-25031201-C-A.
Other names: short protein forms G304V.
Identifiers: ClinVar variation 4527611 (VCV004527611.1).
Genomic context (GRCh38, chrX:25,013,084, plus strand): 5'-AGCAGCCCCTCCTCCGAGTCGCTGCCCGCAGAGAGGCACACGCTGTCCTCGCCGTCCTTG[C>A]CCTCAGCGTCTTCCGGGTGCAGCAGCAGCTCCTCCTTGGGTGACAGCTCCCCGCCCTCTG-3'
Protein context (NP_620689.1, residues 294-314): ELLLHPEDAE[Gly304Val]KDGEDSVCLS

ClinVar aggregate classification (germline): Uncertain significance (1 of 4 stars; one submission).

gnomAD v4.1: 6 of 1,202,268 alleles (0.0005%); highest among the groups gnomAD compares: Non-Finnish European, 0.00045%; no homozygotes.

Submission:

GeneDx
Classification: Uncertain significance. Last evaluated: 2025-04-29. Review status: criteria provided, single submitter. Criteria: GeneDx Variant Classification Process June 2021. Collection method: clinical testing. Allele origin: germline. Affected: yes.
Comment: In silico analysis indicates that this missense variant does not alter protein structure/function; Has not been previously published as pathogenic or benign to our knowledge